The following is an entry in ClinVar:

NM_000702.4(ATP1A2):c.211G>A (p.Ala71Thr)

Gene: ATP1A2 (ATPase Na+/K+ transporting subunit alpha 2; plus strand). Cytogenetic location: 1q23.2.
Variant type: single nucleotide variant.
Coding change: c.211G>A on transcript NM_000702.4 (MANE Select); coding-DNA position 211, G replaced by A.
Protein change: p.Ala71Thr; replaces alanine 71 with threonine.
Molecular consequence: missense variant.
Genome position (GRCh38, 1-based): chr1:160,123,246, G>A. VCF-style: chr1-160123246-G-A. GRCh37 (hg19) VCF-style: chr1-160093036-G-A.
Other names: short protein forms A71T.
Identifiers: ClinVar variation 965308 (VCV000965308.9), dbSNP rs1558003394, ClinGen allele CA343230494.

ClinVar aggregate classification (germline): Uncertain significance (1 of 4 stars; one submission).

Conditions:
Familial hemiplegic migraine. Identifiers: MedGen C0338484, MONDO:0000700.

Allele frequency attached by ClinVar (database versions not stated): gnomAD exomes below 0.00001.
gnomAD v4.1: 2 of 1,614,190 alleles (0.00012%); highest among the groups gnomAD compares: Non-Finnish European, 0.00017%; no homozygotes.

Submission:

Labcorp Genetics (formerly Invitae), Labcorp
Classification: Uncertain significance for Familial hemiplegic migraine. Last evaluated: 2021-08-02. Review status: criteria provided, single submitter. Criteria: Invitae Variant Classification Sherloc (09022015). Collection method: clinical testing. Allele origin: germline.
Comment: In summary, the available evidence is currently insufficient to determine the role of this variant in disease. Therefore, it has been classified as a Variant of Uncertain Significance. Algorithms developed to predict the effect of missense changes on protein structure and function are either unavailable or do not agree on the potential impact of this missense change (SIFT: "Deleterious"; PolyPhen-2: "Benign"; Align-GVGD: "Class C0"). This variant has not been reported in the literature in individuals with ATP1A2-related conditions. This variant is not present in population databases (ExAC no frequency). This sequence change replaces alanine with threonine at codon 71 of the ATP1A2 protein (p.Ala71Thr). The alanine residue is highly conserved and there is a small physicochemical difference between alanine and threonine.